The following is an entry in ClinVar:

ClinVar aggregate classification (germline): Uncertain significance (1 of 4 stars; one submission).

Conditions:
X-linked myopathy with postural muscle atrophy. Also called: FHL1-Related Emery-Dreifuss Muscular Dystrophy, X-Linked. Identifiers: Orphanet 178461, MedGen C2678055, MONDO:0010401, OMIM 300696.

Submission:

Labcorp Genetics (formerly Invitae), Labcorp
Classification: Uncertain significance for X-linked myopathy with postural muscle atrophy. Last evaluated: 2022-07-21. Review status: criteria provided, single submitter. Criteria: Invitae Variant Classification Sherloc (09022015). Collection method: clinical testing. Allele origin: germline.
Comment: Variants that disrupt the consensus splice site are a relatively common cause of aberrant splicing (PMID: 17576681, 9536098). Algorithms developed to predict the effect of sequence changes on RNA splicing suggest that this variant may disrupt the consensus splice site. This sequence change falls in intron 6 of the FHL1 gene. It does not directly change the encoded amino acid sequence of the FHL1 protein. It affects a nucleotide within the consensus splice site. This variant is not present in population databases (gnomAD no frequency). This variant has not been reported in the literature in individuals affected with FHL1-related conditions. In summary, the available evidence is currently insufficient to determine the role of this variant in disease. Therefore, it has been classified as a Variant of Uncertain Significance.

Literature cited by the submitters: PubMed 17576681; PubMed 9536098.

NM_001159699.2(FHL1):c.736+5G>T

Gene: FHL1 (four and a half LIM domains 1; plus strand). Cytogenetic location: Xq26.3.
Variant type: single nucleotide variant.
Coding change: c.736+5G>T on transcript NM_001159699.2 (MANE Select); 5 bases into the intron after coding-DNA position 736, G replaced by T.
Molecular consequence: intron variant.
Genome position (GRCh38, 1-based): chrX:136,208,646, G>T. VCF-style: chrX-136208646-G-T. GRCh37 (hg19) VCF-style: chrX-135290805-G-T.
Other names: c.688+5G>T (NM_001159702.3, NM_001449.5, NM_001369326.1 and 8 more transcripts); c.501+685G>T (NM_001159703.2); c.775+5G>T (NM_001159701.2); c.549+685G>T (NM_001330659.2).
Identifiers: ClinVar variation 2018763 (VCV002018763.4), dbSNP rs2521304991, ClinGen allele CA2580101586.